The following is an entry in ClinVar:

ClinVar aggregate classification (germline): Benign. Review status: criteria provided, multiple submitters, no conflicts (2 of 4 stars). 2 submissions from 2 submitters: Benign (2). Last evaluated 2018-06-14.

Allele frequency attached by ClinVar (database versions not stated): gnomAD exomes 0.00140 and 0.00376; ExAC 0.00467; gnomAD 0.01462 and 0.01569; ESP Exome Variant Server 0.01508; 1000 Genomes Project 0.01637; TOPMed 0.01701; 1000 Genomes Project 30x 0.01702.

Submissions (2):

GeneDx
Classification: Benign. Last evaluated: 2018-06-14. Review status: criteria provided, single submitter. Criteria: GeneDx Variant Classification (06012015). Collection method: clinical testing. Allele origin: germline. Affected: yes.
Comment: This variant is considered likely benign or benign based on one or more of the following criteria: it is a conservative change, it occurs at a poorly conserved position in the protein, it is predicted to be benign by multiple in silico algorithms, and/or has population frequency not consistent with disease.

Breakthrough Genomics
Classification: Benign. Review status: criteria provided, single submitter. Criteria: ACMG Guidelines, 2015. Collection method: not provided. Allele origin: germline. Inheritance: Autosomal recessive inheritance. Affected: yes.

NM_000391.4(TPP1):c.508+31G>A

Gene: TPP1 (tripeptidyl peptidase 1; minus strand). Cytogenetic location: 11p15.4.
Variant type: single nucleotide variant.
Coding change: c.508+31G>A on transcript NM_000391.4 (MANE Select); 31 bases into the intron after coding-DNA position 508, G replaced by A.
Molecular consequence: intron variant.
Genome position (GRCh38, 1-based): chr11:6,617,270, C>T on the plus strand (G>A on the coding strand, the complement: TPP1 is on the minus strand). VCF-style: chr11-6617270-C-T. GRCh37 (hg19) VCF-style: chr11-6638501-C-T.
Identifiers: ClinVar variation 674480 (VCV000674480.2), dbSNP rs112765517, ClinGen allele CA5858932.